The following is an entry in ClinVar:

ClinVar aggregate classification (germline): Benign/Likely benign. Review status: criteria provided, multiple submitters, no conflicts (2 of 4 stars). 3 submissions from 3 submitters: Benign (2); Likely benign (1). Last evaluated 2024-04-01.

Conditions:
Cataract 5 multiple types (CTRCT5). Also called: Lamellar cataract; CATARACT, MARNER TYPE; CATARACT 5, LAMELLAR. Identifiers: Orphanet 91492, MedGen C0266537, MONDO:0007290, OMIM 116800, HP:0007971.

Allele frequency attached by ClinVar (database versions not stated): ESP Exome Variant Server 0.00168; 1000 Genomes Project 0.00280; 1000 Genomes Project 30x 0.00359.
gnomAD v4.1: 655 of 1,609,560 alleles (0.041%); highest among the groups gnomAD compares: African/African-American, 0.8%; 4 homozygotes.

Submissions (3):

CeGaT Center for Human Genetics Tuebingen
Classification: Benign. Last evaluated: 2024-04-01. Review status: criteria provided, single submitter. Criteria: CeGaT Center For Human Genetics Tuebingen Variant Classification Criteria Version 2. Collection method: clinical testing. Allele origin: germline. Affected: yes. Observed: 1 variant allele.
Comment: HSF4: BP4, BP7, BS1, BS2

Labcorp Genetics (formerly Invitae), Labcorp
Classification: Benign for Cataract 5 multiple types. Last evaluated: 2022-05-15. Review status: criteria provided, single submitter. Criteria: Invitae Variant Classification Sherloc (09022015). Collection method: clinical testing. Allele origin: germline.

GeneDx
Classification: Likely benign. Last evaluated: 2020-07-16. Review status: criteria provided, single submitter. Criteria: GeneDx Variant Classification Process June 2021. Collection method: clinical testing. Allele origin: germline. Affected: yes.
Comment: See Variant Classification Assertion Criteria.

NM_001374675.1(HSF4):c.1341C>G (p.Leu447=)

Gene: HSF4 (heat shock transcription factor 4; plus strand). Cytogenetic location: 16q22.1.
Variant type: single nucleotide variant.
Coding change: c.1341C>G on transcript NM_001374675.1 (MANE Select); coding-DNA position 1341, C replaced by G.
Protein change: p.Leu447=; no amino-acid change (leucine 447 retained).
Molecular consequence: synonymous variant.
Genome position (GRCh38, 1-based): chr16:67,169,647, C>G. VCF-style: chr16-67169647-C-G. GRCh37 (hg19) VCF-style: chr16-67203550-C-G.
Other names: c.1341C>G, p.Leu447= (NM_001040667.3); c.1251C>G, p.Leu417= (NM_001374674.1, NM_001538.4).
Identifiers: ClinVar variation 1166869 (VCV001166869.32), dbSNP rs35750776, ClinGen allele CA8102181.
Genomic context (GRCh38, chr16:67,169,647, plus strand): 5'-AGGGGGAACATTTCCCCTGGTGAGCGCAGTCCCACTTCTCCTAGGGAAGGACCCCACGCT[C>G]GGGGCCCCACTCCTGCTGGATGTCCAGGCGGCCTTGGGAGGCCCAGCCCTGGGCCTGCCT-3'
Protein context (NP_001361604.1, residues 437-457): NSPSPGKDPT[Leu447=]GAPLLLDVQA